The following is an entry in ClinVar:

ClinVar aggregate classification (germline): Uncertain significance (1 of 4 stars; one submission).

Submission:

Labcorp Genetics (formerly Invitae), Labcorp
Classification: Uncertain significance. Last evaluated: 2025-01-11. Review status: criteria provided, single submitter. Criteria: Invitae Variant Classification Sherloc (09022015). Collection method: clinical testing. Allele origin: germline.
Comment: This variant, c.579_580delinsTT, is a complex sequence change that results in the deletion of 2 and insertion of 2 amino acid(s) in the ARID1A protein (p.Glu193_Pro194delinsAspSer). Information on the frequency of this variant in the gnomAD database is not available, as this variant may be reported differently in the database. This variant has been observed in individual(s) with ARID1A-related conditions (PMID: 32369273). Experimental studies and prediction algorithms are not available or were not evaluated, and the functional significance of this variant is currently unknown. In summary, the available evidence is currently insufficient to determine the role of this variant in disease. Therefore, it has been classified as a Variant of Uncertain Significance.

Literature cited by the submitters: PubMed 32369273.

NM_006015.6(ARID1A):c.579_580delinsTT (p.Glu193_Pro194delinsAspSer)

Gene: ARID1A (AT-rich interaction domain 1A; plus strand). Cytogenetic location: 1p36.11.
Variant type: Indel.
Coding change: c.579_580delinsTT on transcript NM_006015.6 (MANE Select); coding-DNA positions 579 to 580, GC replaced by TT.
Protein change: p.Glu193_Pro194delinsAspSer.
Molecular consequence: missense variant.
Genome position (GRCh38, 1-based): chr1:26,696,982-26,696,983, GC replaced by TT. VCF-style: chr1-26696982-GC-TT. GRCh37 (hg19) VCF-style: chr1-27023473-GC-TT.
Other names: c.579_580delinsTT, p.Glu193_Pro194delinsAspSer (NM_139135.4).
Identifiers: ClinVar variation 3613257 (VCV003613257.2).
Genomic context (GRCh38, chr1:26,696,982, plus strand): 5'-TGGCGGACAACAAAGCCCTGGCCTGGCAGCGCTGCAGAGCGGCGGCGGCGGGGGCCTGGA[GC>TT]CCTACGCGGGGCCCCAGCAGAACTCTCACGACCACGGCTTCCCCAACCACCAGTACAACT-3'